The following is an entry in ClinVar:

ClinVar aggregate classification (germline): Uncertain significance. Review status: criteria provided, multiple submitters, no conflicts (2 of 4 stars). 3 submissions from 3 submitters: Uncertain significance (3). Last evaluated 2023-12-29.

Conditions:
Joubert syndrome 13 (JBTS13). Identifiers: Orphanet 475, MedGen C3280031, MONDO:0013608, OMIM 614173.
Meckel-Gruber syndrome. Also called: DYSENCEPHALIA SPLANCHNOCYSTICA; Dysencephalia splachnocystica; GRUBER SYNDROME. Identifiers: Orphanet 564, MedGen C0265215, MONDO:0018921.
Joubert syndrome. Also called: JOUBERT-BOLTSHAUSER SYNDROME; Familial aplasia of the vermis. Identifiers: Orphanet 475, MedGen C5979921, MONDO:0018772.

gnomAD v4.1: 12 of 1,613,504 alleles (0.00074%); highest among the groups gnomAD compares: South Asian, 0.0011%; no homozygotes.

Submissions (3):

Labcorp Genetics (formerly Invitae), Labcorp
Classification: Uncertain significance for Joubert syndrome; Meckel-Gruber syndrome. Last evaluated: 2023-12-29. Review status: criteria provided, single submitter. Criteria: Invitae Variant Classification Sherloc (09022015). Collection method: clinical testing. Allele origin: germline.
Comment: This sequence change replaces proline, which is neutral and non-polar, with leucine, which is neutral and non-polar, at codon 590 of the TCTN1 protein (p.Pro590Leu). This variant is present in population databases (no rsID available, gnomAD 0.007%). This variant has not been reported in the literature in individuals affected with TCTN1-related conditions. ClinVar contains an entry for this variant (Variation ID: 2437027). An algorithm developed to predict the effect of missense changes on protein structure and function (PolyPhen-2) suggests that this variant is likely to be disruptive. In summary, the available evidence is currently insufficient to determine the role of this variant in disease. Therefore, it has been classified as a Variant of Uncertain Significance.

Blueprint Genetics
Classification: Uncertain significance. Last evaluated: 2022-02-15. Review status: criteria provided, single submitter. Criteria: ACMG Guidelines, 2015. Collection method: clinical testing. Allele origin: germline.

Revvity Omics, Revvity
Classification: Uncertain significance for Joubert syndrome 13. Last evaluated: 2021-04-26. Review status: criteria provided, single submitter. Criteria: ACMG Guidelines, 2015. Collection method: clinical testing. Allele origin: germline.

NM_001082538.3(TCTN1):c.1769C>T (p.Pro590Leu)

Gene: TCTN1 (tectonic family member 1; plus strand). Cytogenetic location: 12q24.11.
Variant type: single nucleotide variant.
Coding change: c.1769C>T on transcript NM_001082538.3 (MANE Select); coding-DNA position 1769, C replaced by T.
Protein change: p.Pro590Leu; replaces proline 590 with leucine.
Molecular consequence: missense variant. On other transcripts: non-coding transcript variant (1).
Genome position (GRCh38, 1-based): chr12:110,647,882, C>T. VCF-style: chr12-110647882-C-T. GRCh37 (hg19) VCF-style: chr12-111085687-C-T.
Other names: c.1754C>T, p.Pro585Leu (NM_001082537.3); c.1586C>T, p.Pro529Leu (NM_001173975.3); c.1442C>T, p.Pro481Leu (NM_001173976.2); c.1607C>T, p.Pro536Leu (NM_001319680.2); c.1220C>T, p.Pro407Leu (NM_001319681.2); c.1712C>T, p.Pro571Leu (NM_024549.6); short protein forms P407L, P481L, P529L, P536L, P571L, P585L, P590L.
Identifiers: ClinVar variation 2437027 (VCV002437027.7), dbSNP rs1204822464, ClinGen allele CA386696228.